The following is an entry in ClinVar:

NM_000329.3(RPE65):c.644-2A>G

Gene: RPE65 (retinoid isomerohydrolase RPE65; minus strand). Cytogenetic location: 1p31.3.
Variant type: single nucleotide variant.
Coding change: c.644-2A>G on transcript NM_000329.3 (MANE Select); the canonical splice acceptor site of the intron before coding-DNA position 644, A replaced by G.
Molecular consequence: splice acceptor variant.
Genome position (GRCh38, 1-based): chr1:68,439,644, T>C on the plus strand (A>G on the coding strand, the complement: RPE65 is on the minus strand). VCF-style: chr1-68439644-T-C. GRCh37 (hg19) VCF-style: chr1-68905327-T-C.
Other names: c.368-2A>G (NM_001406857.1, NM_001406856.1); c.536-2A>G (NM_001406853.1); c.644-2A>G (NM_001406859.1).
Identifiers: ClinVar variation 2501067 (VCV002501067.6), dbSNP rs61752891, ClinGen allele CA340746084.
Genomic context (GRCh38, chr1:68,439,644, plus strand): 5'-TCGGTCACTGCAGGGGAATTGTACAACGATCTCTGACTTGCTTATTGGATCTTCCTTGTC[T>C]GAAATAAAGTGGTTTTAAAAGGCTTTGGAAGAGCCTCTTATTTTTTTTTTAATACAAAGC-3'

ClinVar aggregate classification (germline): Pathogenic/Likely pathogenic. Review status: criteria provided, multiple submitters, no conflicts (2 of 4 stars). 4 submissions from 4 submitters: Pathogenic (2); Likely pathogenic (2). Last evaluated 2025-01-29.

Conditions:
Leber congenital amaurosis (LCA). Also called: Leber's amaurosis. Identifiers: Orphanet 65, MedGen C0339527, MeSH D057130, MONDO:0018998.
Retinitis pigmentosa 20 (RP20). Identifiers: Orphanet 791, MedGen C3151086, MONDO:0013425, OMIM 613794.
Leber congenital amaurosis 2 (LCA2). Also called: Autosomal Recessive RPE65-Related Retinal Degeneration; AMAUROSIS CONGENITA OF LEBER II. Identifiers: Orphanet 65, MedGen C1859844, MONDO:0008765, OMIM 204100. Disease mechanism: loss of function.

Submissions (4):

Labcorp Genetics (formerly Invitae), Labcorp
Classification: Pathogenic for Leber congenital amaurosis 2; Retinitis pigmentosa 20. Last evaluated: 2025-01-29. Review status: criteria provided, single submitter. Criteria: Invitae Variant Classification Sherloc (09022015). Collection method: clinical testing. Allele origin: germline.
Comment: This sequence change affects an acceptor splice site in intron 6 of the RPE65 gene. It is expected to disrupt RNA splicing. Variants that disrupt the donor or acceptor splice site typically lead to a loss of protein function (PMID: 16199547), and loss-of-function variants in RPE65 are known to be pathogenic (PMID: 9326941, 9501220, 9843205, 18632300). This variant is not present in population databases (gnomAD no frequency). Disruption of this splice site has been observed in individuals with clinical features of autosomal recessive RPE65-related conditions (PMID: 9501220; internal data). ClinVar contains an entry for this variant (Variation ID: 2501067). Algorithms developed to predict the effect of sequence changes on RNA splicing suggest that this variant may disrupt the consensus splice site. For these reasons, this variant has been classified as Pathogenic.

Natera, Inc.
Classification: Pathogenic for Leber congenital amaurosis. Last evaluated: 2024-05-24. Review status: criteria provided, single submitter. Criteria: Natera Variant Classification Schema (03/2026). Collection method: clinical testing. Allele origin: germline.
Comment: The c.644-2A>G variant in RPE65 is a canonical splice acceptor site variant predicted to affect pre-mRNA splicing, which may result in an abnormal transcript and altered protein product. This variant is expected to result in nonsense mediated decay, truncation, or a dysfunctional protein product. This variant is rare in the general population with a frequency below the threshold expected for the associated phenotype(s). Another variant at this same site results in an alteration predicted to cause a similar molecular effect has been observed in individual(s) with the associated phenotype. Given the available evidence, this variant is classified as Pathogenic.

Women's Health and Genetics/Laboratory Corporation of America, LabCorp
Classification: Likely pathogenic for Leber congenital amaurosis. Last evaluated: 2023-03-01. Review status: criteria provided, single submitter. Criteria: LabCorp Variant Classification Summary - May 2015. Collection method: clinical testing. Allele origin: germline.
Comment: Variant summary: RPE65 c.644-2A>G is located in a canonical splice-site and is predicted to affect mRNA splicing resulting in a significantly altered protein due to either exon skipping, shortening, or inclusion of intronic material. One splice prediction tool predicts the variant to be possibly pathogenic (Transcript-inferred Pathogenicity score). The variant was absent in 251348 control chromosomes. To our knowledge, no occurrence of c.644-2A>G has been reported in individuals affected with Leber Congenital Amaurosis (LCA), however other variants (c.644-2A>C, c.644-2A>T) at the same splice site have been reported in individuals with LCA (Morimura_1998, Hanany_2020). No experimental evidence demonstrating its impact on protein function have been reported. No clinical diagnostic laboratories have submitted clinical-significance assessments for this variant to ClinVar after 2014. Based on the evidence outlined above, the variant was classified as likely pathogenic.

Baylor Genetics
Classification: Likely pathogenic for Leber congenital amaurosis 2. Last evaluated: 2022-06-16. Review status: criteria provided, single submitter. Criteria: ACMG Guidelines, 2015. Collection method: clinical testing. Allele origin: unknown.

Literature cited by the submitters: PubMed 16199547 (cited by Labcorp Genetics (formerly Invitae), Labcorp); PubMed 9326941 (cited by Labcorp Genetics (formerly Invitae), Labcorp); PubMed 9501220 (cited by Labcorp Genetics (formerly Invitae), Labcorp and Women's Health and Genetics/Laboratory Corporation of America, LabCorp); PubMed 9843205 (cited by Labcorp Genetics (formerly Invitae), Labcorp); PubMed 18632300 (cited by Labcorp Genetics (formerly Invitae), Labcorp); PubMed 31964843 (cited by Women's Health and Genetics/Laboratory Corporation of America, LabCorp).